The following is an entry in ClinVar:

ClinVar aggregate classification (germline): Uncertain significance. Review status: criteria provided, multiple submitters, no conflicts (2 of 4 stars). 4 submissions from 4 submitters: Uncertain significance (4). Last evaluated 2024-06-13.

Conditions:
Inborn genetic diseases. Identifiers: MedGen C0950123, MeSH D030342.

Allele frequency attached by ClinVar (database versions not stated): gnomAD exomes 0.00003 and 0.00006; ExAC 0.00004; TOPMed 0.00005; gnomAD 0.00008 and 0.00009.

Submissions (4):

GeneDx
Classification: Uncertain significance. Last evaluated: 2024-06-13. Review status: criteria provided, single submitter. Criteria: GeneDx Variant Classification Process June 2021. Collection method: clinical testing. Allele origin: germline. Affected: yes.
Comment: Has not been previously published as pathogenic or benign to our knowledge; In silico analysis indicates that this missense variant does not alter protein structure/function

Revvity Omics, Revvity
Classification: Uncertain significance. Last evaluated: 2022-06-23. Review status: criteria provided, single submitter. Criteria: ACMG Guidelines, 2015. Collection method: clinical testing. Allele origin: germline.

Ambry Genetics
Classification: Uncertain significance for Inborn genetic diseases. Last evaluated: 2021-06-11. Review status: criteria provided, single submitter. Criteria: Ambry Variant Classification Scheme 2023. Collection method: clinical testing. Allele origin: germline.

Eurofins Ntd Llc (ga)
Classification: Uncertain significance. Last evaluated: 2014-12-16. Review status: criteria provided, single submitter. Criteria: EGL Classification Definitions 2015. Collection method: clinical testing. Allele origin: germline.

NM_080680.3(COL11A2):c.4000G>C (p.Gly1334Arg)

Gene: COL11A2 (collagen type XI alpha 2 chain; minus strand). Cytogenetic location: 6p21.32.
Variant type: single nucleotide variant.
Coding change: c.4000G>C on transcript NM_080680.3 (MANE Select); coding-DNA position 4000, G replaced by C.
Protein change: p.Gly1334Arg; replaces glycine 1334 with arginine.
Molecular consequence: missense variant.
Genome position (GRCh38, 1-based): chr6:33,167,813, C>G on the plus strand (G>C on the coding strand, the complement: COL11A2 is on the minus strand). VCF-style: chr6-33167813-C-G. GRCh37 (hg19) VCF-style: chr6-33135590-C-G.
Other names: c.3679G>C, p.Gly1227Arg (NM_080679.3); c.3742G>C, p.Gly1248Arg (NM_080681.3); short protein forms G1334R, G1227R, G1248R.
Identifiers: ClinVar variation 197985 (VCV000197985.12), dbSNP rs200574827, ClinGen allele CA246423.
Genomic context (GRCh38, chr6:33,167,813, plus strand): 5'-GGGAGGCGGAGGGGATGCTCCAGCACTAGGGCAGCCTGTCCCTCACCTTGGCTCCCTTCC[C>G]TCCTTGTCGCCCCTCGGAACCAGGCGAGCCAGCAGGACCCTGCAGGTGGAGTGGGAAGGA-3'
Protein context (NP_542411.2, residues 1324-1344): GSPGSEGRQG[Gly1334Arg]KGAKGDPGAI